The following is an entry in ClinVar:

ClinVar aggregate classification (germline): Uncertain significance (0 of 4 stars; one submission).

Conditions:
Neuronal ceroid lipofuscinosis 7 (CLN7). Also called: MFSD8-Related Neuronal Ceroid-Lipofuscinosis. Identifiers: Orphanet 168491, Orphanet 228366, MedGen C1838571, MONDO:0012588, OMIM 610951.

Submission:

Foundation for Research in Genetics and Endocrinology, FRIGE's Institute of Human Genetics
Classification: Uncertain significance for Neuronal ceroid lipofuscinosis 7. Last evaluated: 2018-08-13. Review status: no assertion criteria provided. Collection method: clinical testing. Allele origin: germline. Inheritance: Autosomal recessive inheritance. Affected: yes. Observed: 1 homozygote.
Comment: The observed variant c.268G>C (p.Ala90Pro) has not been reported in 1000 Genomes and ExAC databases respectively. The In silico prediction of the given variant is disease causing by MutationTaster2, damaging by LRT and probably damaging by PolyPhen-2.

NM_001371596.2(MFSD8):c.268G>C (p.Ala90Pro)

Gene: MFSD8 (major facilitator superfamily domain containing 8; minus strand). Cytogenetic location: 4q28.2.
Variant type: single nucleotide variant.
Coding change: c.268G>C on transcript NM_001371596.2 (MANE Select); coding-DNA position 268, G replaced by C.
Protein change: p.Ala90Pro; replaces alanine 90 with proline.
Molecular consequence: missense variant.
Genome position (GRCh38, 1-based): chr4:127,943,923, C>G on the plus strand (G>C on the coding strand, the complement: MFSD8 is on the minus strand). VCF-style: chr4-127943923-C-G. GRCh37 (hg19) VCF-style: chr4-128865078-C-G.
Other names: c.268G>C, p.Ala90Pro (NM_001363520.3, NM_001363521.3, NM_001371591.2 and 5 more transcripts); c.133G>C, p.Ala45Pro (NM_001371590.2, NM_001371595.1, NM_001410765.1); short protein forms A90P, A45P.
Identifiers: ClinVar variation 559837 (VCV000559837.4), dbSNP rs1553950970, ClinGen allele CA358177005.